The following is an entry in ClinVar:

ClinVar aggregate classification (germline): Conflicting classifications of pathogenicity. Review status: criteria provided, conflicting classifications (1 of 4 stars). 4 submissions from 4 submitters: Uncertain significance (1); Benign (1); Likely benign (2). Last evaluated 2026-01-05.

Conditions:
3-methylglutaconic aciduria type 1 (MGCA1). Identifiers: Orphanet 67046, MedGen C0342727, MONDO:0009610, OMIM 250950.

Allele frequency attached by ClinVar (database versions not stated): 1000 Genomes Project 0.00020; gnomAD exomes 0.00056 and 0.00086; 1000 Genomes Project 30x 0.00062; gnomAD 0.00066 and 0.00068; TOPMed 0.00069; ExAC 0.00072; ESP Exome Variant Server 0.00115.
gnomAD v4.1: 1,352 of 1,579,414 alleles (0.086%); highest among the groups gnomAD compares: Non-Finnish European, 0.11%; 3 homozygotes.

Submissions (4):

Labcorp Genetics (formerly Invitae), Labcorp
Classification: Likely benign for 3-methylglutaconic aciduria type 1. Last evaluated: 2026-01-05. Review status: criteria provided, single submitter. Criteria: Invitae Variant Classification Sherloc (09022015). Collection method: clinical testing. Allele origin: germline.

Blueprint Genetics
Classification: Likely benign. Last evaluated: 2024-09-25. Review status: criteria provided, single submitter. Criteria: ACMG Guidelines, 2015. Collection method: clinical testing. Allele origin: germline.

Illumina Laboratory Services, Illumina
Classification: Uncertain significance for 3-methylglutaconic aciduria type 1. Last evaluated: 2018-01-13. Review status: criteria provided, single submitter. Criteria: ICSL Variant Classification Criteria 13 December 2019. Collection method: clinical testing. Allele origin: germline.

GeneDx
Classification: Benign. Last evaluated: 2015-01-13. Review status: criteria provided, single submitter. Criteria: GeneDx Variant Classification (06012015). Collection method: clinical testing. Allele origin: germline. Affected: yes.
Comment: This variant is considered likely benign or benign based on one or more of the following criteria: it is a conservative change, it occurs at a poorly conserved position in the protein, it is predicted to be benign by multiple in silico algorithms, and/or has population frequency not consistent with disease.

NM_001698.3(AUH):c.598+10A>C

Gene: AUH (AU RNA binding methylglutaconyl-CoA hydratase; minus strand). Cytogenetic location: 9q22.31.
Variant type: single nucleotide variant.
Coding change: c.598+10A>C on transcript NM_001698.3 (MANE Select); 10 bases into the intron after coding-DNA position 598, A replaced by C.
Molecular consequence: intron variant.
Genome position (GRCh38, 1-based): chr9:91,297,974, T>G on the plus strand (A>C on the coding strand, the complement: AUH is on the minus strand). VCF-style: chr9-91297974-T-G. GRCh37 (hg19) VCF-style: chr9-94060256-T-G.
Other names: c.511+10A>C (NM_001306190.2); c.271+10A>C (NM_001351433.2, NM_001351431.2, NM_001351432.2).
Identifiers: ClinVar variation 214142 (VCV000214142.16), dbSNP rs186203318, ClinGen allele CA323678.